The following is an entry in ClinVar:

NM_022773.4(LMF1):c.1538G>A (p.Arg513Gln)

Gene: LMF1 (lipase maturation factor 1; minus strand). Cytogenetic location: 16p13.3.
Variant type: single nucleotide variant.
Coding change: c.1538G>A on transcript NM_022773.4 (MANE Select); coding-DNA position 1538, G replaced by A.
Protein change: p.Arg513Gln; replaces arginine 513 with glutamine.
Molecular consequence: missense variant. On other transcripts: synonymous variant (1), non-coding transcript variant (1).
Genome position (GRCh38, 1-based): chr16:854,698, C>T on the plus strand (G>A on the coding strand, the complement: LMF1 is on the minus strand). VCF-style: chr16-854698-C-T. GRCh37 (hg19) VCF-style: chr16-904698-C-T.
Other names: c.887G>A, p.Arg296Gln (NM_001352017.2, NM_001352021.2); c.1139G>A, p.Arg380Gln (NM_001352018.2); c.1211G>A, p.Arg404Gln (NM_001352019.2); c.1458G>A, p.Pro486= (NM_001352020.1); short protein forms R404Q, R513Q, R380Q, R296Q.
Identifiers: ClinVar variation 1774759 (VCV001774759.4), dbSNP rs748287562, ClinGen allele CA7796886.

ClinVar aggregate classification (germline): Uncertain significance. Review status: criteria provided, multiple submitters, no conflicts (2 of 4 stars). 2 submissions from 2 submitters: Uncertain significance (2). Last evaluated 2025-08-09.

Conditions:
Cardiovascular phenotype. Identifiers: MedGen CN230736.

Allele frequency attached by ClinVar (database versions not stated): ExAC 0.00003; TOPMed 0.00005; gnomAD 0.00007.

Submissions (2):

Labcorp Genetics (formerly Invitae), Labcorp
Classification: Uncertain significance. Last evaluated: 2025-08-09. Review status: criteria provided, single submitter. Criteria: Invitae Variant Classification Sherloc (09022015). Collection method: clinical testing. Allele origin: germline.
Comment: This sequence change replaces arginine, which is basic and polar, with glutamine, which is neutral and polar, at codon 513 of the LMF1 protein (p.Arg513Gln). This variant is present in population databases (rs748287562, gnomAD 0.02%). This variant has not been reported in the literature in individuals affected with LMF1-related conditions. ClinVar contains an entry for this variant (Variation ID: 1774759). An algorithm developed to predict the effect of missense changes on protein structure and function (PolyPhen-2) suggests that this variant is likely to be disruptive. In summary, the available evidence is currently insufficient to determine the role of this variant in disease. Therefore, it has been classified as a Variant of Uncertain Significance.

Ambry Genetics
Classification: Uncertain significance for Cardiovascular phenotype. Last evaluated: 2023-06-21. Review status: criteria provided, single submitter. Criteria: Ambry Variant Classification Scheme 2023. Collection method: clinical testing. Allele origin: germline.
Comment: The p.R513Q variant (also known as c.1538G>A), located in coding exon 11 of the LMF1 gene, results from a G to A substitution at nucleotide position 1538. The arginine at codon 513 is replaced by glutamine, an amino acid with highly similar properties. This amino acid position is highly conserved in available vertebrate species. In addition, the in silico prediction for this alteration is inconclusive. Since supporting evidence is limited at this time, the clinical significance of this alteration remains unclear.